The following is an entry in ClinVar:

NM_000203.5(IDUA):c.1882del (p.Arg628fs)

Gene: IDUA (alpha-L-iduronidase; plus strand). Cytogenetic location: 4p16.3.
Variant type: Deletion.
Coding change: c.1882del on transcript NM_000203.5 (MANE Select); coding-DNA position 1882, one base deleted (C; older notation c.1882delC).
Protein change: p.Arg628fs; shifts the reading frame from arginine 628.
Molecular consequence: frameshift variant. On other transcripts: non-coding transcript variant (1).
Genome position (GRCh38, 1-based): chr4:1,004,313, C deleted; the last of 3 consecutive C bases (chr4:1,004,311-1,004,313); deleting any one gives the same sequence. VCF-style (leftmost placement, unchanged base first): chr4-1004310-GC-G. GRCh37 (hg19) VCF-style: chr4-998098-GC-G.
Other names: c.1486del, p.Arg496fs (NM_001363576.1); short protein forms R628fs, R496fs.
Identifiers: ClinVar variation 2853754 (VCV002853754.3), dbSNP rs2534104335, ClinGen allele CA2739265878.

ClinVar aggregate classification (germline): Pathogenic (1 of 4 stars; one submission).

Conditions:
Mucopolysaccharidosis type 1. Also called: Mucopolysaccharidosis Type I; IDUA deficiency; MPS I. Identifiers: Orphanet 579, MedGen C0023786, MONDO:0001586.

Submission:

Labcorp Genetics (formerly Invitae), Labcorp
Classification: Pathogenic for Mucopolysaccharidosis type 1. Last evaluated: 2023-04-09. Review status: criteria provided, single submitter. Criteria: Invitae Variant Classification Sherloc (09022015). Collection method: clinical testing. Allele origin: germline.
Comment: For these reasons, this variant has been classified as Pathogenic. This variant disrupts a region of the IDUA protein in which other variant(s) (p.Ser633Leu) have been determined to be pathogenic (PMID: 11735025, 16438163, 21480867, 26825088, 27146977). This suggests that this is a clinically significant region of the protein, and that variants that disrupt it are likely to be disease-causing. Experimental studies and prediction algorithms are not available or were not evaluated, and the functional significance of this variant is currently unknown. This variant has not been reported in the literature in individuals affected with IDUA-related conditions. This variant is not present in population databases (gnomAD no frequency). This sequence change results in a frameshift in the IDUA gene (p.Arg628Aspfs*). While this is not anticipated to result in nonsense mediated decay, it is expected to disrupt the last 26 amino acid(s) of the IDUA protein and extend the protein by an uncertain number of additional amino acid residues.

Literature cited by the submitters: PubMed 11735025; PubMed 16438163; PubMed 21480867; PubMed 26825088; PubMed 27146977.